The following is an entry in ClinVar:

NC_000008.10:g.(?_48686714)_(48701819_?)dup

Gene: PRKDC (protein kinase, DNA-activated, catalytic subunit; minus strand). Cytogenetic location: 8q11.21.
Variant type: Duplication.
Identifiers: ClinVar variation 1054401 (VCV001054401.2).

ClinVar aggregate classification (germline): Uncertain significance (1 of 4 stars; one submission).

Conditions:
Severe combined immunodeficiency due to DNA-PKcs deficiency. Also called: IMMUNODEFICIENCY 26 WITH NEUROLOGIC ABNORMALITIES; Immunodeficiency 26 with or without neurologic abnormalities. Identifiers: Orphanet 317425, MedGen C4014833, MONDO:0014423, OMIM 615966.

Submission:

Labcorp Genetics (formerly Invitae), Labcorp
Classification: Uncertain significance for Severe combined immunodeficiency due to DNA-PKcs deficiency. Last evaluated: 2018-05-21. Review status: criteria provided, single submitter. Criteria: Invitae Variant Classification Sherloc (09022015). Collection method: clinical testing. Allele origin: germline.
Comment: This variant results in a copy number gain of the genomic region encompassing exons 75-86 of the PRKDC gene. The 5' boundary is likely confined to intron 74. The 3' end of this event is unknown as it extends beyond the assayed region for this gene and therefore may encompass additional genes. As the precise location of this event is unknown, it may be in tandem or it may be located elsewhere in the genome. This variant has not been reported in the literature in individuals with PRKDC-related disease. Experimental studies and prediction algorithms are not available for this variant, and the functional significance of the duplicated amino acids is currently unknown. In summary, the available evidence is currently insufficient to determine the role of this variant in disease. Therefore, it has been classified as a Variant of Uncertain Significance.